The following is an entry in ClinVar:

NM_000282.4(PCCA):c.1086delinsCT (p.Glu362fs)

Gene: PCCA (propionyl-CoA carboxylase subunit alpha; plus strand). Cytogenetic location: 13q32.3.
Variant type: Indel.
Coding change: c.1086delinsCT on transcript NM_000282.4 (MANE Select); coding-DNA position 1086, A replaced by CT.
Protein change: p.Glu362fs; shifts the reading frame from glutamic acid 362.
Molecular consequence: frameshift variant. On other transcripts: non-coding transcript variant (5), intron variant (3).
Genome position (GRCh38, 1-based): chr13:100,301,480, A replaced by CT. VCF-style: chr13-100301480-A-CT. GRCh37 (hg19) VCF-style: chr13-100953734-A-CT.
Other names: c.1008delinsCT, p.Glu336fs (NM_001127692.3, NM_001352607.2); c.1086delinsCT, p.Glu362fs (NM_001178004.2, NM_001352605.2, NM_001352609.2); c.141delinsCT, p.Glu47fs (NM_001352610.2, NM_001352611.2); c.1066-1444delinsCT (NM_001352606.2); c.121-1444delinsCT (NM_001352612.2); c.988-1444delinsCT (NM_001352608.2); short protein forms E336fs, E362fs, E47fs.
Identifiers: ClinVar variation 1724667 (VCV001724667.2), dbSNP rs2548112862, ClinGen allele CA2580086953.

ClinVar aggregate classification (germline): Likely pathogenic (1 of 4 stars; one submission).

Conditions:
Propionic acidemia (PROP). Also called: GLYCINEMIA, KETOTIC; HYPERGLYCINEMIA WITH KETOACIDOSIS AND LEUKOPENIA; KETOTIC HYPERGLYCINEMIA. Identifiers: Orphanet 35, MedGen C0268579, MONDO:0011628, OMIM 606054, HP:0003571.

Submission:

Myriad Genetics, Inc.
Classification: Likely pathogenic for Propionic acidemia. Last evaluated: 2022-02-25. Review status: criteria provided, single submitter. Criteria: Myriad Women's Health Autosomal Recessive and X-Linked Classification Criteria (2021). Collection method: clinical testing. Allele origin: unknown.
Comment: NM_000282.3(PCCA):c.1086delAinsCT(E362Dfs*17) is expected to be pathogenic in the context of PCCA-related propionic acidemia. This variant is predicted to lead to an abnormal or absent protein product due to the creation of a premature termination codon in PCCA, a gene where loss-of-function variants are known to be pathogenic. Please note: this variant was assessed in the context of healthy population screening.